The following is an entry in ClinVar:

ClinVar aggregate classification (germline): Pathogenic/Likely pathogenic. Review status: criteria provided, multiple submitters, no conflicts (2 of 4 stars). 2 submissions from 2 submitters: Pathogenic (1); Likely pathogenic (1). Last evaluated 2015-02-23.

Conditions:
Joubert syndrome 27 (JBTS27). Identifiers: MedGen C4310706, MONDO:0014927, OMIM 617120.
Joubert syndrome. Also called: CEREBELLOPARENCHYMAL DISORDER IV; JOUBERT-BOLTSHAUSER SYNDROME; Familial aplasia of the vermis. Identifiers: Orphanet 475, MedGen C5979921, MONDO:0018772.

Allele frequency attached by ClinVar (database versions not stated): gnomAD exomes below 0.00001 and 0.00001; ExAC 0.00001; gnomAD 0.00001; TOPMed 0.00002; ESP Exome Variant Server 0.00008.

Submissions (2):

UW Hindbrain Malformation Research Program, University of Washington
Classification: Pathogenic for Joubert syndrome. Last evaluated: 2015-02-23. Review status: criteria provided, single submitter. Criteria: Bachmann-Gagescu et al. (J Med Genet. 2015). Collection method: research. Allele origin: unknown. Affected: yes.

Juno Genomics, Hangzhou Juno Genomics, Inc
Classification: Likely pathogenic for Joubert syndrome 27. Review status: criteria provided, single submitter. Criteria: ACMG Guidelines, 2015. Collection method: clinical testing. Allele origin: germline. Affected: yes.
Comment: Absent from controls (or at extremely low frequency if recessive) in Genome Aggregation Database, Exome Sequencing Project, 1000 Genomes Project, or Exome Aggregation Consortium.;Multiple lines of computational evidence support a deleterious effect on the gene or gene product (conservation, evolutionary, splicing impact, etc).;For recessive disorders, detected in trans with a pathogenic variant.;Patient's phenotype or family history is highly specific for a disease with a single genetic etiology.

NM_015681.6(B9D1):c.466C>T (p.Arg156Trp)

Gene: B9D1 (B9 domain containing 1; minus strand). Cytogenetic location: 17p11.2.
Variant type: single nucleotide variant.
Coding change: c.466C>T on transcript NM_015681.6 (MANE Select); coding-DNA position 466, C replaced by T.
Protein change: p.Arg156Trp; replaces arginine 156 with tryptophan.
Molecular consequence: missense variant. On other transcripts: intron variant (1).
Genome position (GRCh38, 1-based): chr17:19,343,796, G>A on the plus strand (C>T on the coding strand, the complement: B9D1 is on the minus strand). VCF-style: chr17-19343796-G-A. GRCh37 (hg19) VCF-style: chr17-19247109-G-A.
Other names: c.466C>T, p.Arg156Trp (NM_001321214.2, NM_001321215.3, NM_001321217.2 and 2 more transcripts); c.106C>T, p.Arg36Trp (NM_001368769.2); c.404+3473C>T (NM_001321219.2); short protein forms R156W, R36W.
Identifiers: ClinVar variation 217554 (VCV000217554.3), dbSNP rs369488112, ClinGen allele CA210263.